The following is an entry in ClinVar:

NM_015488.5(PNKD):c.204C>T (p.Gly68=)

Gene: PNKD (PNKD metallo-beta-lactamase domain containing; plus strand). Cytogenetic location: 2q35.
Variant type: single nucleotide variant.
Coding change: c.204C>T on transcript NM_015488.5 (MANE Select); coding-DNA position 204, C replaced by T.
Protein change: p.Gly68=; no amino-acid change (glycine 68 retained).
Molecular consequence: synonymous variant.
Genome position (GRCh38, 1-based): chr2:218,271,517, C>T. VCF-style: chr2-218271517-C-T. GRCh37 (hg19) VCF-style: chr2-219136240-C-T.
Other names: c.204C>T, p.Gly68= (NM_001077399.3).
Identifiers: ClinVar variation 837495 (VCV000837495.9), dbSNP rs765261684, ClinGen allele CA2103267.
Genomic context (GRCh38, chr2:218,271,517, plus strand): 5'-GGGCAAGGAGGAACCTGAACCCCTATCCCCGGAGCTGGAATACATTCCCAGAAAGAGGGG[C>T]AAGAACCCCATGAAAGCTGTGGGACTGGCCTGGTGAGTTTTAACCACCCCTTTGCCCACC-3'
Protein context (NP_056303.3, residues 58-78): PELEYIPRKR[Gly68=]KNPMKAVGLA

ClinVar aggregate classification (germline): Uncertain significance (1 of 4 stars; one submission).

Conditions:
Paroxysmal nonkinesigenic dyskinesia. Also called: Paroxysmal non-kinesigenic dyskinesia. Identifiers: Orphanet 98810, MedGen C1869117, MONDO:0700088.

Allele frequency attached by ClinVar (database versions not stated): gnomAD exomes below 0.00001 and 0.00001; ExAC 0.00001; gnomAD 0.00001.
gnomAD v4.1: 4 of 1,614,068 alleles (0.00025%); highest among the groups gnomAD compares: East Asian, 0.0089%; no homozygotes.

Submission:

Labcorp Genetics (formerly Invitae), Labcorp
Classification: Uncertain significance for Paroxysmal nonkinesigenic dyskinesia. Last evaluated: 2019-12-31. Review status: criteria provided, single submitter. Criteria: Invitae Variant Classification Sherloc (09022015). Collection method: clinical testing. Allele origin: germline.
Comment: In summary, the available evidence is currently insufficient to determine the role of this variant in disease. Therefore, it has been classified as a Variant of Uncertain Significance. Algorithms developed to predict the effect of sequence changes on RNA splicing suggest that this variant may create or strengthen a splice site, but this prediction has not been confirmed by published transcriptional studies. This sequence change affects codon 68 of the PNKD mRNA. It is a 'silent' change, meaning that it does not change the encoded amino acid sequence of the PNKD protein. This variant is present in population databases (rs765261684, ExAC 0.01%). This variant has not been reported in the literature in individuals with PNKD-related conditions.